The following is an entry in ClinVar:

ClinVar aggregate classification (germline): Uncertain significance (1 of 4 stars; one submission).

Conditions:
Glycogen storage disease type III (GSD3). Also called: FORBES DISEASE; Cori disease. Identifiers: Orphanet 366, MedGen C0017922, MONDO:0009291, OMIM 232400.

Submission:

Labcorp Genetics (formerly Invitae), Labcorp
Classification: Uncertain significance for Glycogen storage disease type III. Last evaluated: 2022-06-04. Review status: criteria provided, single submitter. Criteria: Invitae Variant Classification Sherloc (09022015). Collection method: clinical testing. Allele origin: germline.
Comment: Algorithms developed to predict the effect of missense changes on protein structure and function (SIFT, PolyPhen-2, Align-GVGD) all suggest that this variant is likely to be tolerated. Algorithms developed to predict the effect of sequence changes on RNA splicing suggest that this variant may create or strengthen a splice site. In summary, the available evidence is currently insufficient to determine the role of this variant in disease. Therefore, it has been classified as a Variant of Uncertain Significance. This variant has not been reported in the literature in individuals affected with AGL-related conditions. This variant is not present in population databases (gnomAD no frequency). This sequence change replaces asparagine, which is neutral and polar, with serine, which is neutral and polar, at codon 1483 of the AGL protein (p.Asn1483Ser).

NM_000642.3(AGL):c.4448A>G (p.Asn1483Ser)

Gene: AGL (amylo-alpha-1,6-glucosidase and 4-alpha-glucanotransferase; plus strand). Cytogenetic location: 1p21.2.
Variant type: single nucleotide variant.
Coding change: c.4448A>G on transcript NM_000642.3 (MANE Select); coding-DNA position 4448, A replaced by G.
Protein change: p.Asn1483Ser; replaces asparagine 1483 with serine.
Molecular consequence: missense variant.
Genome position (GRCh38, 1-based): chr1:99,916,698, A>G. VCF-style: chr1-99916698-A-G. GRCh37 (hg19) VCF-style: chr1-100382254-A-G.
Other names: c.4448A>G, p.Asn1483Ser (NM_000028.3, NM_000643.3, NM_000644.3 and 1 more transcripts); c.4400A>G, p.Asn1467Ser (NM_000646.3); c.4427A>G, p.Asn1476Ser (NM_001425326.1); c.4247A>G, p.Asn1416Ser (NM_001425327.1); c.4244A>G, p.Asn1415Ser (NM_001425328.1); c.4109A>G, p.Asn1370Ser (NM_001425329.1); c.4070A>G, p.Asn1357Ser (NM_001425332.1); short protein forms N1467S, N1483S, N1357S, N1370S, N1415S, N1416S, N1476S.
Identifiers: ClinVar variation 1958531 (VCV001958531.5), dbSNP rs1655144253, ClinGen allele CA341342604.
Genomic context (GRCh38, chr1:99,916,698, plus strand): 5'-TATATTTTTCCAGATTGATGGGCCCGGAGACTACTGCAAAGACTATAGTTTTGGTTAAAA[A>G]TGTTCTTTCCCGACATTATGTTCATCTTGAGAGGTAAGTCATCAGGAGCATGTAATTTCC-3'
Protein context (NP_000633.2, residues 1473-1493): TTAKTIVLVK[Asn1483Ser]VLSRHYVHLE